The following is an entry in ClinVar:

ClinVar aggregate classification (germline): Conflicting classifications of pathogenicity. Review status: criteria provided, conflicting classifications (1 of 4 stars). 3 submissions from 3 submitters: Uncertain significance (2); Likely benign (1). Last evaluated 2024-01-16.

Conditions:
Deafness-encephaloneuropathy-obesity-valvulopathy syndrome. Identifiers: Orphanet 254898, MedGen C3553354, MONDO:0013837, OMIM 614651.

Allele frequency attached by ClinVar (database versions not stated): gnomAD exomes 0.00001 and 0.00002; ExAC 0.00002; gnomAD 0.00002 and 0.00003; TOPMed 0.00003.
gnomAD v4.1: 22 of 1,407,068 alleles (0.0016%); highest among the groups gnomAD compares: Admixed American, 0.005%; no homozygotes.

Submissions (3):

Fulgent Genetics
Classification: Uncertain significance for Deafness-encephaloneuropathy-obesity-valvulopathy syndrome. Last evaluated: 2024-01-16. Review status: criteria provided, single submitter. Criteria: ACMG Guidelines, 2015. Collection method: clinical testing. Allele origin: germline.

Labcorp Genetics (formerly Invitae), Labcorp
Classification: Uncertain significance. Last evaluated: 2022-08-08. Review status: criteria provided, single submitter. Criteria: Invitae Variant Classification Sherloc (09022015). Collection method: clinical testing. Allele origin: germline.
Comment: This sequence change replaces arginine, which is basic and polar, with histidine, which is basic and polar, at codon 73 of the PDSS1 protein (p.Arg73His). This variant is present in population databases (rs759788602, gnomAD 0.006%). This variant has not been reported in the literature in individuals affected with PDSS1-related conditions. ClinVar contains an entry for this variant (Variation ID: 383622). Algorithms developed to predict the effect of missense changes on protein structure and function are either unavailable or do not agree on the potential impact of this missense change (SIFT: "Not Available"; PolyPhen-2: "Benign"; Align-GVGD: "Not Available"). In summary, the available evidence is currently insufficient to determine the role of this variant in disease. Therefore, it has been classified as a Variant of Uncertain Significance.

GeneDx
Classification: Likely benign. Last evaluated: 2016-03-21. Review status: criteria provided, single submitter. Criteria: GeneDx Variant Classification (06012015). Collection method: clinical testing. Allele origin: germline. Affected: yes.
Comment: This variant is considered likely benign or benign based on one or more of the following criteria: it is a conservative change, it occurs at a poorly conserved position in the protein, it is predicted to be benign by multiple in silico algorithms, and/or has population frequency not consistent with disease.

NM_014317.5(PDSS1):c.218G>A (p.Arg73His)

Gene: PDSS1 (decaprenyl diphosphate synthase subunit 1; plus strand). Cytogenetic location: 10p12.1.
Variant type: single nucleotide variant.
Coding change: c.218G>A on transcript NM_014317.5 (MANE Select); coding-DNA position 218, G replaced by A.
Protein change: p.Arg73His; replaces arginine 73 with histidine.
Molecular consequence: missense variant. On other transcripts: 5 prime UTR variant (1).
Genome position (GRCh38, 1-based): chr10:26,704,732, G>A. VCF-style: chr10-26704732-G-A. GRCh37 (hg19) VCF-style: chr10-26993661-G-A.
Other names: c.218G>A, p.Arg73His (NM_001321978.2); c.-376G>A (NM_001321979.2); short protein forms R73H.
Identifiers: ClinVar variation 383622 (VCV000383622.4), dbSNP rs759788602, ClinGen allele CA5446874.